The following is an entry in ClinVar:

NM_000553.6(WRN):c.2191G>A (p.Asp731Asn)

Gene: WRN (WRN RecQ like helicase; plus strand). Cytogenetic location: 8p12.
Variant type: single nucleotide variant.
Coding change: c.2191G>A on transcript NM_000553.6 (MANE Select); coding-DNA position 2191, G replaced by A.
Protein change: p.Asp731Asn; replaces aspartic acid 731 with asparagine.
Molecular consequence: missense variant.
Genome position (GRCh38, 1-based): chr8:31,111,717, G>A. VCF-style: chr8-31111717-G-A. GRCh37 (hg19) VCF-style: chr8-30969233-G-A.
Other names: short protein forms D731N.
Identifiers: ClinVar variation 1379719 (VCV001379719.3), dbSNP rs1291568074, ClinGen allele CA370912756.

ClinVar aggregate classification (germline): Uncertain significance (1 of 4 stars; one submission).

Conditions:
Werner syndrome (WRN). Identifiers: Orphanet 902, MedGen C0043119, MONDO:0010196, OMIM 277700.

Allele frequency attached by ClinVar (database versions not stated): gnomAD 0.00001; gnomAD exomes below 0.00001.
gnomAD v4.1: 6 of 1,613,906 alleles (0.00037%); highest among the groups gnomAD compares: African/African-American, 0.0027%; no homozygotes.

Submission:

Labcorp Genetics (formerly Invitae), Labcorp
Classification: Uncertain significance for Werner syndrome. Last evaluated: 2021-11-10. Review status: criteria provided, single submitter. Criteria: Invitae Variant Classification Sherloc (09022015). Collection method: clinical testing. Allele origin: germline.
Comment: This sequence change replaces aspartic acid, which is acidic and polar, with asparagine, which is neutral and polar, at codon 731 of the WRN protein (p.Asp731Asn). This variant is present in population databases (no rsID available, gnomAD 0.007%). This variant has not been reported in the literature in individuals affected with WRN-related conditions. Algorithms developed to predict the effect of missense changes on protein structure and function are either unavailable or do not agree on the potential impact of this missense change (SIFT: "Not Available"; PolyPhen-2: "Probably Damaging"; Align-GVGD: "Not Available"). In summary, the available evidence is currently insufficient to determine the role of this variant in disease. Therefore, it has been classified as a Variant of Uncertain Significance.